The following is an entry in ClinVar:

NM_001148.6(ANK2):c.1898T>C (p.Leu633Ser)

Gene: ANK2 (ankyrin 2; plus strand). Cytogenetic location: 4q26.
Variant type: single nucleotide variant.
Coding change: c.1898T>C on transcript NM_001148.6 (MANE Select); coding-DNA position 1898, T replaced by C.
Protein change: p.Leu633Ser; replaces leucine 633 with serine.
Molecular consequence: missense variant.
Genome position (GRCh38, 1-based): chr4:113,282,691, T>C. VCF-style: chr4-113282691-T-C. GRCh37 (hg19) VCF-style: chr4-114203847-T-C.
Other names: c.1835T>C, p.Leu612Ser (NM_001127493.3, NM_001354239.2, NM_001354243.2 and 10 more transcripts); c.1898T>C, p.Leu633Ser (NM_001354225.2, NM_001354228.2, NM_001354232.2 and 6 more transcripts); c.1943T>C, p.Leu648Ser (NM_001354230.2, NM_001354231.2, NM_001354237.2 and 5 more transcripts); c.1799T>C, p.Leu600Ser (NM_001354245.2, NM_001354268.2); c.1811T>C, p.Leu604Ser (NM_001354249.2, NM_001354264.2, NM_001354266.2 and 10 more transcripts); c.1736T>C, p.Leu579Ser (NM_001354253.2, NM_001354257.2, NM_001354270.2 and 1 more transcripts); c.1712T>C, p.Leu571Ser (NM_001354260.2, NM_001354271.2, NM_001386151.1); c.1856T>C, p.Leu619Ser (NM_001354261.2, NM_001386147.1, NM_001386160.1); and 8 more; short protein forms L505S, L538S, L563S, L567S, L571S, L579S, L600S, L604S.
Identifiers: ClinVar variation 2428594 (VCV002428594.3), dbSNP rs2495891146, ClinGen allele CA357913829.

ClinVar aggregate classification (germline): Uncertain significance (1 of 4 stars; one submission).

Allele frequency attached by ClinVar (database versions not stated): gnomAD exomes below 0.00001.
gnomAD v4.1: 2 of 1,613,076 alleles (0.00012%); highest among the groups gnomAD compares: Non-Finnish European, 0.00017%; no homozygotes.

Submission:

ARUP Laboratories, Molecular Genetics and Genomics, ARUP Laboratories
Classification: Uncertain significance. Last evaluated: 2022-04-07. Review status: criteria provided, single submitter. Criteria: ARUP Molecular Germline Variant Investigation Process 2021. Collection method: clinical testing. Allele origin: germline.
Comment: The ANK2 c.1898T>C; p.Leu633Ser variant, to our knowledge, is not reported in the medical literature or gene specific databases. This variant is also absent from the Genome Aggregation Database, indicating it is not a common polymorphism. The leucine at codon 633 is highly conserved, but computational analyses are uncertain whether this variant is neutral or deleterious (REVEL: 0.683). Due to limited information, the clinical significance of the p.Leu633Ser variant is uncertain at this time.